The following is an entry in ClinVar:

NM_000494.4(COL17A1):c.2970C>A (p.Tyr990Ter)

Gene: COL17A1 (collagen type XVII alpha 1 chain; minus strand). Cytogenetic location: 10q25.1.
Variant type: single nucleotide variant.
Coding change: c.2970C>A on transcript NM_000494.4 (MANE Select); coding-DNA position 2970, C replaced by A.
Protein change: p.Tyr990Ter; replaces tyrosine 990 with a stop codon.
Molecular consequence: nonsense.
Genome position (GRCh38, 1-based): chr10:104,038,506, G>T on the plus strand (C>A on the coding strand, the complement: COL17A1 is on the minus strand). VCF-style: chr10-104038506-G-T. GRCh37 (hg19) VCF-style: chr10-105798264-G-T.
Other names: short protein forms Y990*.
Identifiers: ClinVar variation 2781042 (VCV002781042.3), dbSNP rs199813733, ClinGen allele CA378067582.

ClinVar aggregate classification (germline): Pathogenic (1 of 4 stars; one submission).

Submission:

Labcorp Genetics (formerly Invitae), Labcorp
Classification: Pathogenic. Last evaluated: 2023-05-27. Review status: criteria provided, single submitter. Criteria: Invitae Variant Classification Sherloc (09022015). Collection method: clinical testing. Allele origin: germline.
Comment: This variant is not present in population databases (gnomAD no frequency). This variant has not been reported in the literature in individuals affected with COL17A1-related conditions. Algorithms developed to predict the effect of sequence changes on RNA splicing suggest that this variant may disrupt the consensus splice site. For these reasons, this variant has been classified as Pathogenic. This sequence change creates a premature translational stop signal (p.Tyr990*) in the COL17A1 gene. It is expected to result in an absent or disrupted protein product. Loss-of-function variants in COL17A1 are known to be pathogenic (PMID: 16473856, 17344927, 20301304, 21357940, 24319098).

Literature cited by the submitters: PubMed 16473856; PubMed 17344927; PubMed 20301304; PubMed 21357940; PubMed 24319098.